The following is an entry in ClinVar:

ClinVar aggregate classification (germline): Conflicting classifications of pathogenicity. Review status: criteria provided, conflicting classifications (1 of 4 stars). 6 submissions from 6 submitters: Uncertain significance (5); Likely benign (1). Last evaluated 2026-03-20.

Conditions:
Hereditary cancer-predisposing syndrome. Also called: Tumor predisposition; Hereditary Cancer Syndrome; Hereditary neoplastic syndrome; Neoplastic Syndromes, Hereditary. Identifiers: Orphanet 140162, MedGen C0027672, MeSH D009386, MONDO:0015356.
Familial adenomatous polyposis 1 (FAP1). Also called: FAMILIAL ADENOMATOUS POLYPOSIS 1, ATTENUATED; POLYPOSIS, ADENOMATOUS INTESTINAL. Identifiers: MedGen C2713442, MONDO:0021056, OMIM 175100. Disease mechanism: loss of function.
Desmoid disease, hereditary (DESMD). Also called: FIBROMATOSIS, FAMILIAL INFILTRATIVE. Identifiers: Orphanet 873, MedGen C1851124, OMIM 135290. Disease mechanism: loss of function.
Hepatocellular carcinoma (HCC). Also called: Primary carcinoma of liver; HEPATOMA; LIVER CELL CARCINOMA. Identifiers: Orphanet 88673, MedGen C2239176, MONDO:0007256, OMIM 114550, HP:0001402.
Gastric cancer. Also called: Stomach cancer; Malignant tumor of stomach. Identifiers: MedGen C0024623, MeSH D013274, MONDO:0001056, OMIM 613659, HP:0012126.
Colorectal cancer. Also called: Colorectal cancer, somatic; Malignant Colorectal Neoplasm. Identifiers: MedGen C0346629, MONDO:0005575, OMIM 114500.
Gastric adenocarcinoma and proximal polyposis of the stomach (GAPPS). Also called: Polyposis, gastric, Dos Santos and de Magalhaes 1980; POLYPOSIS, GASTRIC; Gastric Adenocarcinoma and Proximal Polyposis of the Stomach (GAPPS). Identifiers: Orphanet 314022, MedGen C4749917, MONDO:0017790, OMIM 619182.

Allele frequency attached by ClinVar (database versions not stated): gnomAD exomes below 0.00001; ExAC 0.00001; TOPMed 0.00001.
gnomAD v4.1: 1 of 1,614,100 alleles (0.000062%); highest among the groups gnomAD compares: Non-Finnish European, 0.000085%; no homozygotes.

Submissions (6):

Ambry Genetics
Classification: Likely benign for Hereditary cancer-predisposing syndrome. Last evaluated: 2026-03-20. Review status: criteria provided, single submitter. Criteria: Ambry Variant Classification Scheme 2023. Collection method: clinical testing. Allele origin: germline.

Labcorp Genetics (formerly Invitae), Labcorp
Classification: Uncertain significance for Familial adenomatous polyposis 1. Last evaluated: 2026-01-16. Review status: criteria provided, single submitter. Criteria: Invitae Variant Classification Sherloc (09022015). Collection method: clinical testing. Allele origin: germline.
Comment: This sequence change replaces glutamic acid, which is acidic and polar, with lysine, which is basic and polar, at codon 1663 of the APC protein (p.Glu1663Lys). This variant is not present in population databases (gnomAD no frequency). This variant has not been reported in the literature in individuals affected with APC-related conditions. ClinVar contains an entry for this variant (Variation ID: 216168). Invitae Evidence Modeling of protein sequence and biophysical properties (such as structural, functional, and spatial information, amino acid conservation, physicochemical variation, residue mobility, and thermodynamic stability) indicates that this missense variant is not expected to disrupt APC protein function with a negative predictive value of 95%. In summary, the available evidence is currently insufficient to determine the role of this variant in disease. Therefore, it has been classified as a Variant of Uncertain Significance.

Baylor Genetics
Classification: Uncertain significance for Familial adenomatous polyposis 1. Last evaluated: 2023-11-26. Review status: criteria provided, single submitter. Criteria: ACMG Guidelines, 2015. Collection method: clinical testing. Allele origin: unknown.

Mendelics
Classification: Uncertain significance. Last evaluated: 2022-05-04. Review status: criteria provided, single submitter. Criteria: Mendelics Assertion Criteria 2019. Collection method: clinical testing. Allele origin: germline.

Fulgent Genetics
Classification: Uncertain significance for Colorectal cancer; Hepatocellular carcinoma; Desmoid disease, hereditary; Familial adenomatous polyposis 1; Gastric cancer; Gastric adenocarcinoma and proximal polyposis of the stomach. Last evaluated: 2021-11-10. Review status: criteria provided, single submitter. Criteria: ACMG Guidelines, 2015. Collection method: clinical testing. Allele origin: unknown.

Color Diagnostics, LLC DBA Color Health
Classification: Uncertain significance for Hereditary cancer-predisposing syndrome. Last evaluated: 2021-09-07. Review status: criteria provided, single submitter. Criteria: ACMG Guidelines, 2015. Collection method: clinical testing. Allele origin: germline.
Comment: This missense variant replaces glutamic acid with lysine at codon 1663 of the APC protein. Computational prediction suggests that this variant may not impact protein structure and function (internally defined REVEL score threshold <= 0.5, PMID: 27666373). To our knowledge, functional studies have not been reported for this variant. This variant has not been reported in individuals affected with hereditary cancer in the literature. This variant has not been identified in the general population by the Genome Aggregation Database (gnomAD). The available evidence is insufficient to determine the role of this variant in disease conclusively. Therefore, this variant is classified as a Variant of Uncertain Significance.

NM_000038.6(APC):c.4987G>A (p.Glu1663Lys)

Gene: APC (APC regulator of Wnt signaling pathway; plus strand). Cytogenetic location: 5q22.2.
Variant type: single nucleotide variant.
Coding change: c.4987G>A on transcript NM_000038.6 (MANE Select); coding-DNA position 4987, G replaced by A.
Protein change: p.Glu1663Lys; replaces glutamic acid 1663 with lysine.
Molecular consequence: missense variant.
Genome position (GRCh38, 1-based): chr5:112,840,581, G>A. VCF-style: chr5-112840581-G-A. GRCh37 (hg19) VCF-style: chr5-112176278-G-A.
Other names: c.4987G>A, p.Glu1663Lys (NM_001127510.3, NM_001354895.2); c.4933G>A, p.Glu1645Lys (NM_001127511.3); c.5041G>A, p.Glu1681Lys (NM_001354896.2); c.5017G>A, p.Glu1673Lys (NM_001354897.2); c.4912G>A, p.Glu1638Lys (NM_001354898.2); c.4903G>A, p.Glu1635Lys (NM_001354899.2); c.4864G>A, p.Glu1622Lys (NM_001354900.2); c.4810G>A, p.Glu1604Lys (NM_001354901.2); and 5 more; short protein forms E1645K, E1663K, E1380K, E1681K, E1503K, E1537K, E1562K, E1622K.
Identifiers: ClinVar variation 216168 (VCV000216168.21), dbSNP rs758987855, ClinGen allele CA040323.